The following is an entry in ClinVar:

NM_001283009.2(RTEL1):c.2050C>T (p.Arg684Trp)

Genes: RTEL1 (regulator of telomere elongation helicase 1; plus strand), RTEL1-TNFRSF6B (RTEL1-TNFRSF6B readthrough (NMD candidate); plus strand). Cytogenetic location: 20q13.33.
Variant type: single nucleotide variant.
Coding change: c.2050C>T on transcript NM_001283009.2 (MANE Select); coding-DNA position 2050, C replaced by T.
Protein change: p.Arg684Trp; replaces arginine 684 with tryptophan.
Molecular consequence: missense variant. On other transcripts: non-coding transcript variant (1).
Genome position (GRCh38, 1-based): chr20:63,689,774, C>T. VCF-style: chr20-63689774-C-T. GRCh37 (hg19) VCF-style: chr20-62321127-C-T.
Other names: c.1381C>T, p.Arg461Trp (NM_001283010.1); c.2050C>T, p.Arg684Trp (NM_016434.4); c.2122C>T, p.Arg708Trp (NM_032957.5); short protein forms R461W, R684W, R708W.
Identifiers: ClinVar variation 2415571 (VCV002415571.10), dbSNP rs772062037, ClinGen allele CA9965152.

ClinVar aggregate classification (germline): Uncertain significance. Review status: criteria provided, multiple submitters, no conflicts (2 of 4 stars). 2 submissions from 2 submitters: Uncertain significance (2). Last evaluated 2026-05-21.

Conditions:
Inborn genetic diseases. Identifiers: MedGen C0950123, MeSH D030342.
Pulmonary fibrosis and/or bone marrow failure, Telomere-related, 3. Also called: PULMONARY FIBROSIS AND/OR BONE MARROW FAILURE SYNDROME, TELOMERE-RELATED, 3. Identifiers: Orphanet 2032, MedGen C4225346, MONDO:0014613, OMIM 616373.
Dyskeratosis congenita, autosomal recessive 5 (DKCB5). Identifiers: MedGen C3554656, MONDO:0014076, OMIM 615190.

Allele frequency attached by ClinVar (database versions not stated): TOPMed below 0.00001; ExAC 0.00001; gnomAD 0.00001.
gnomAD v4.1: 3 of 1,612,022 alleles (0.00019%); highest among the groups gnomAD compares: East Asian, 0.0022%; no homozygotes.

Submissions (2):

Ambry Genetics
Classification: Uncertain significance for Inborn genetic diseases. Last evaluated: 2026-05-21. Review status: criteria provided, single submitter. Criteria: Ambry Variant Classification Scheme 2023. Collection method: clinical testing. Allele origin: germline.
Comment: The p.R684W variant (also known as c.2050C>T), located in coding exon 23 of the RTEL1 gene, results from a C to T substitution at nucleotide position 2050. The arginine at codon 684 is replaced by tryptophan, an amino acid with dissimilar properties. This amino acid position is conserved. In addition, the in silico prediction for this alteration is inconclusive. Based on the available evidence, the clinical significance of this variant remains unclear.

Labcorp Genetics (formerly Invitae), Labcorp
Classification: Uncertain significance for Dyskeratosis congenita, autosomal recessive 5; Pulmonary fibrosis and/or bone marrow failure, Telomere-related, 3. Last evaluated: 2025-08-12. Review status: criteria provided, single submitter. Criteria: Invitae Variant Classification Sherloc (09022015). Collection method: clinical testing. Allele origin: germline.
Comment: This sequence change replaces arginine, which is basic and polar, with tryptophan, which is neutral and slightly polar, at codon 684 of the RTEL1 protein (p.Arg684Trp). This variant is present in population databases (rs772062037, gnomAD 0.003%). This variant has not been reported in the literature in individuals affected with RTEL1-related conditions. ClinVar contains an entry for this variant (Variation ID: 2415571). An algorithm developed to predict the effect of missense changes on protein structure and function (PolyPhen-2) suggests that this variant is likely to be disruptive. In summary, the available evidence is currently insufficient to determine the role of this variant in disease. Therefore, it has been classified as a Variant of Uncertain Significance.